The following is an entry in ClinVar:

NM_000891.3(KCNJ2):c.252G>A (p.Met84Ile)

Gene: KCNJ2 (potassium inwardly rectifying channel subfamily J member 2; plus strand). Cytogenetic location: 17q24.3.
Variant type: single nucleotide variant.
Coding change: c.252G>A on transcript NM_000891.3 (MANE Select); coding-DNA position 252, G replaced by A.
Protein change: p.Met84Ile; replaces methionine 84 with isoleucine.
Molecular consequence: missense variant.
Genome position (GRCh38, 1-based): chr17:70,175,291, G>A. VCF-style: chr17-70175291-G-A. GRCh37 (hg19) VCF-style: chr17-68171432-G-A.
Other names: short protein forms M84I.
Identifiers: ClinVar variation 2928251 (VCV002928251.3), dbSNP rs2509920954, ClinGen allele CA400860197.

ClinVar aggregate classification (germline): Uncertain significance (1 of 4 stars; one submission).

Conditions:
Andersen Tawil syndrome (LQT7). Also called: Potassium-sensitive periodic paralysis, ventricular ectopy, and dysmorphic features; ANDERSEN CARDIODYSRHYTHMIC PERIODIC PARALYSIS; LONG QT SYNDROME 7; PERIODIC PARALYSIS, POTASSIUM-SENSITIVE CARDIODYSRHYTHMIC TYPE; Andersen Syndrome. Identifiers: Orphanet 37553, MedGen C1563715, MONDO:0008222, OMIM 170390.
Short QT syndrome type 3. Identifiers: Orphanet 51083, MedGen C1865018, MONDO:0012314, OMIM 609622.

Submission:

Labcorp Genetics (formerly Invitae), Labcorp
Classification: Uncertain significance for Short QT syndrome type 3; Andersen Tawil syndrome. Last evaluated: 2024-01-18. Review status: criteria provided, single submitter. Criteria: Invitae Variant Classification Sherloc (09022015). Collection method: clinical testing. Allele origin: germline.
Comment: This sequence change replaces methionine, which is neutral and non-polar, with isoleucine, which is neutral and non-polar, at codon 84 of the KCNJ2 protein (p.Met84Ile). This variant is not present in population databases (gnomAD no frequency). This variant has not been reported in the literature in individuals affected with KCNJ2-related conditions. Advanced modeling of protein sequence and biophysical properties (such as structural, functional, and spatial information, amino acid conservation, physicochemical variation, residue mobility, and thermodynamic stability) performed at Invitae indicates that this missense variant is not expected to disrupt KCNJ2 protein function with a negative predictive value of 80%. In summary, the available evidence is currently insufficient to determine the role of this variant in disease. Therefore, it has been classified as a Variant of Uncertain Significance.